The following is an entry in ClinVar:

NM_002465.4(MYBPC1):c.1706G>A (p.Arg569His)

Gene: MYBPC1 (myosin binding protein C1; plus strand). Cytogenetic location: 12q23.2.
Variant type: single nucleotide variant.
Coding change: c.1706G>A on transcript NM_002465.4 (MANE Select); coding-DNA position 1706, G replaced by A.
Protein change: p.Arg569His; replaces arginine 569 with histidine.
Molecular consequence: missense variant.
Genome position (GRCh38, 1-based): chr12:101,653,187, G>A. VCF-style: chr12-101653187-G-A. GRCh37 (hg19) VCF-style: chr12-102046965-G-A.
Other names: c.1631G>A, p.Arg544His (NM_001254718.3, NM_001254719.3, NM_206820.4 and 1 more transcripts); c.1595G>A, p.Arg532His (NM_001254720.3); c.1574G>A, p.Arg525His (NM_001254721.3, NM_001404676.1, NM_001404678.1); c.1553G>A, p.Arg518His (NM_001254722.3, NM_001404680.1); c.1592G>A, p.Arg531His (NM_001254723.3); c.1706G>A, p.Arg569His (NM_001404675.1, NM_206819.4); c.1496G>A, p.Arg499His (NM_001404677.1, NM_001404679.1, NM_001404681.1); short protein forms R499H, R518H, R525H, R531H, R532H, R544H, R569H.
Identifiers: ClinVar variation 2662260 (VCV002662260.3), dbSNP rs149828249, ClinGen allele CA6744859.

ClinVar aggregate classification (germline): Uncertain significance. Review status: criteria provided, multiple submitters, no conflicts (2 of 4 stars). 2 submissions from 2 submitters: Uncertain significance (2). Last evaluated 2025-05-02.

Allele frequency attached by ClinVar (database versions not stated): TOPMed 0.00002; gnomAD 0.00005; gnomAD exomes 0.00005; ESP Exome Variant Server 0.00008; ExAC 0.00009.
gnomAD v4.1: 78 of 1,613,996 alleles (0.0048%); highest among the groups gnomAD compares: South Asian, 0.055%; no homozygotes.

Submissions (2):

Revvity Omics, Revvity
Classification: Uncertain significance. Last evaluated: 2025-05-02. Review status: criteria provided, single submitter. Criteria: ACMG Guidelines, 2015. Collection method: clinical testing. Allele origin: germline.

GeneDx
Classification: Uncertain significance. Last evaluated: 2024-09-26. Review status: criteria provided, single submitter. Criteria: GeneDx Variant Classification Process June 2021. Collection method: clinical testing. Allele origin: germline.
Comment: In silico analysis supports that this missense variant has a deleterious effect on protein structure/function; Has not been previously published as pathogenic or benign to our knowledge